The following is an entry in ClinVar:

NM_198904.4(GABRG2):c.106G>A (p.Gly36Ser)

Gene: GABRG2 (gamma-aminobutyric acid type A receptor subunit gamma2; plus strand). Cytogenetic location: 5q34.
Variant type: single nucleotide variant.
Coding change: c.106G>A on transcript NM_198904.4 (MANE Select); coding-DNA position 106, G replaced by A.
Protein change: p.Gly36Ser; replaces glycine 36 with serine.
Molecular consequence: missense variant. On other transcripts: 5 prime UTR variant (3), intron variant (1).
Genome position (GRCh38, 1-based): chr5:162,068,105, G>A. VCF-style: chr5-162068105-G-A. GRCh37 (hg19) VCF-style: chr5-161495111-G-A.
Other names: c.106G>A, p.Gly36Ser (NM_000816.3, NM_001375339.1, NM_001375340.1 and 5 more transcripts); c.40G>A, p.Gly14Ser (NM_001375345.1, NM_001375346.1); c.-253G>A (NM_001375348.1, NM_001375350.1); c.-301G>A (NM_001375349.1); c.20+464G>A (NM_001375347.1); short protein forms G36S, G14S.
Identifiers: ClinVar variation 646129 (VCV000646129.9), dbSNP rs866056788, ClinGen allele CA131108295.

ClinVar aggregate classification (germline): Uncertain significance (1 of 4 stars; one submission).

Conditions:
Febrile seizures, familial, 8 (FEB8). Also called: CONVULSIONS, FAMILIAL FEBRILE, 8. Identifiers: Orphanet 36387, MedGen C1969810, MONDO:0011891, OMIM 607681.
EPILEPSY, CHILDHOOD ABSENCE, SUSCEPTIBILITY TO, 2 (ECA2). Identifiers: Orphanet 64280, MedGen C1843244, OMIM 607681.

gnomAD v4.1: 1 of 1,610,814 alleles (0.000062%); highest among the groups gnomAD compares: Non-Finnish European, 0.000085%; no homozygotes.

Submission:

Labcorp Genetics (formerly Invitae), Labcorp
Classification: Uncertain significance for Febrile seizures, familial, 8; EPILEPSY, CHILDHOOD ABSENCE, SUSCEPTIBILITY TO, 2. Last evaluated: 2020-04-02. Review status: criteria provided, single submitter. Criteria: Invitae Variant Classification Sherloc (09022015). Collection method: clinical testing. Allele origin: germline.
Comment: This sequence change replaces glycine with serine at codon 36 of the GABRG2 protein (p.Gly36Ser). The glycine residue is moderately conserved and there is a small physicochemical difference between glycine and serine. This variant is not present in population databases (ExAC no frequency). This variant has not been reported in the literature in individuals with GABRG2-related disease. Algorithms developed to predict the effect of missense changes on protein structure and function (SIFT, PolyPhen-2, Align-GVGD) all suggest that this variant is likely to be tolerated, but these predictions have not been confirmed by published functional studies and their clinical significance is uncertain. Algorithms developed to predict the effect of sequence changes on RNA splicing suggest that this variant may create or strengthen a splice site, but this prediction has not been confirmed by published transcriptional studies. In summary, the available evidence is currently insufficient to determine the role of this variant in disease. Therefore, it has been classified as a Variant of Uncertain Significance.